The following is an entry in ClinVar:

NM_020166.5(MCCC1):c.2085del (p.Val697fs)

Gene: MCCC1 (methylcrotonyl-CoA carboxylase subunit 1; minus strand). Cytogenetic location: 3q27.1.
Variant type: Deletion.
Coding change: c.2085del on transcript NM_020166.5 (MANE Select); coding-DNA position 2085, one base deleted (G; older notation c.2085delG).
Protein change: p.Val697fs; shifts the reading frame from valine 697.
Molecular consequence: frameshift variant. On other transcripts: non-coding transcript variant (2).
Genome position (GRCh38, 1-based): chr3:183,015,531, C deleted on the plus strand (G on the coding strand, the reverse complement: MCCC1 is on the minus strand). VCF-style (leftmost placement, unchanged base first): chr3-183015530-TC-T. GRCh37 (hg19) VCF-style: chr3-182733318-TC-T.
Other names: c.1734del, p.Val580fs (NM_001293273.2); c.1758del, p.Val588fs (NM_001363880.1); short protein forms V580fs, V697fs, V588fs.
Identifiers: ClinVar variation 203800 (VCV000203800.1), dbSNP rs772010858, ClinGen allele CA312682.

ClinVar aggregate classification (germline): Pathogenic (1 of 4 stars; one submission).

Allele frequency attached by ClinVar (database versions not stated): gnomAD exomes below 0.00001 and 0.00002.

Submission:

GeneDx
Classification: Pathogenic. Last evaluated: 2013-10-30. Review status: criteria provided, single submitter. Criteria: GeneDx Variant Classification (06012015). Collection method: clinical testing. Allele origin: germline. Affected: yes.
Comment: The c.2085delG mutation in the MCCC1 gene causes a frameshift starting with codon Valine 697, changes this amino acid to a Cysteine residue and creates a premature Stop codon at position 15 of the new reading frame, denoted p.Val697CysfsX15. This mutation is predicted to cause loss of normal protein function through protein truncation. Other frameshift mutations in this region of the MCCC1 gene have been reported as pathogenic. Although the c.2085delG mutation has not been previously reported to our knowledge, it is predicted to be a pathogenic mutation. The variant is found in MCCC1 panel(s).